The following is an entry in ClinVar:

NM_000093.5(COL5A1):c.*14C>T

Genes: COL5A1 (collagen type V alpha 1 chain; plus strand), LOC101448202 (uncharacterized LOC101448202; minus strand). Cytogenetic location: 9q34.3.
Variant type: single nucleotide variant.
Coding change: c.*14C>T on transcript NM_000093.5 (MANE Select); 14 bases downstream of the stop codon, C replaced by T.
Molecular consequence: 3 prime UTR variant.
Genome position (GRCh38, 1-based): chr9:134,842,317, C>T. VCF-style: chr9-134842317-C-T. GRCh37 (hg19) VCF-style: chr9-137734163-C-T.
Other names: c.*14C>T (NM_001278074.1).
Identifiers: ClinVar variation 212781 (VCV000212781.9), dbSNP rs12553247, ClinGen allele CA290326.

ClinVar aggregate classification (germline): Benign/Likely benign. Review status: criteria provided, multiple submitters, no conflicts (2 of 4 stars). 6 submissions from 5 submitters: Benign (5); Likely benign (1). Last evaluated 2023-07-21.

Conditions:
Fibromuscular dysplasia, multifocal. Identifiers: MedGen C5543412, MONDO:0859151, OMIM 619329.
Ehlers-Danlos syndrome, classic type, 1 (EDSCL1). Also called: Ehlers-Danlos Syndrome, Classic Type, COL5A1-Related; EHLERS-DANLOS SYNDROME, GRAVIS TYPE; EHLERS-DANLOS SYNDROME, SEVERE CLASSIC TYPE; Ehlers-Danlos syndrome, type 1; EDS I. Identifiers: MedGen C0268335, MONDO:0019567, OMIM 130000.

Allele frequency attached by ClinVar (database versions not stated): gnomAD exomes 0.01530; 1000 Genomes Project 0.03055; TOPMed 0.01016; ExAC 0.01416; 1000 Genomes Project 30x 0.02826; ESP Exome Variant Server 0.00023; gnomAD 0.00580.
gnomAD v4.1: 10,479 of 1,613,830 alleles (0.65%); highest among the groups gnomAD compares: East Asian, 16%; 688 homozygotes.

Submissions (6):

Women's Health and Genetics/Laboratory Corporation of America, LabCorp
Classification: Benign. Last evaluated: 2023-07-21. Review status: criteria provided, single submitter. Criteria: LabCorp Variant Classification Summary - May 2015. Collection method: clinical testing. Allele origin: germline.

Genome-Nilou Lab
Classification: Benign for Ehlers-Danlos syndrome, classic type, 1. Last evaluated: 2022-03-15. Review status: criteria provided, single submitter. Criteria: ACMG Guidelines, 2015. Collection method: clinical testing. Allele origin: germline. Affected: no.

Genome-Nilou Lab
Classification: Benign for Fibromuscular dysplasia, multifocal. Last evaluated: 2022-03-15. Review status: criteria provided, single submitter. Criteria: ACMG Guidelines, 2015. Collection method: clinical testing. Allele origin: germline. Affected: no.

GeneDx
Classification: Benign. Last evaluated: 2013-03-08. Review status: criteria provided, single submitter. Criteria: GeneDx Variant Classification (06012015). Collection method: clinical testing. Allele origin: germline. Affected: yes.
Comment: This variant is considered likely benign or benign based on one or more of the following criteria: it is a conservative change, it occurs at a poorly conserved position in the protein, it is predicted to be benign by multiple in silico algorithms, and/or has population frequency not consistent with disease.

Breakthrough Genomics
Classification: Likely benign. Review status: criteria provided, single submitter. Criteria: ACMG Guidelines, 2015. Collection method: not provided. Allele origin: germline. Inheritance: Autosomal dominant inheritance. Affected: yes.

PreventionGenetics, part of Exact Sciences
Classification: Benign. Review status: criteria provided, single submitter. Criteria: ACMG Guidelines, 2015. Collection method: clinical testing. Allele origin: germline.